The following is an entry in ClinVar:

ClinVar aggregate classification (germline): Uncertain significance (1 of 4 stars; one submission).

Conditions:
Dilated cardiomyopathy 1G (CMD1G). Identifiers: Orphanet 154, MedGen C1858763, MONDO:0011400, OMIM 604145.
Autosomal recessive limb-girdle muscular dystrophy type 2J (LGMDR10). Also called: Limb-girdle muscular dystrophy, type 2J; MUSCULAR DYSTROPHY, LIMB-GIRDLE, AUTOSOMAL RECESSIVE 10. Identifiers: Orphanet 140922, MedGen C1837342, MONDO:0012127, OMIM 608807.

Allele frequency attached by ClinVar (database versions not stated): gnomAD exomes below 0.00001.
gnomAD v4.1: 1 of 1,613,450 alleles (0.000062%); highest among the groups gnomAD compares: Non-Finnish European, 0.000085%; no homozygotes.

Submission:

Labcorp Genetics (formerly Invitae), Labcorp
Classification: Uncertain significance for Dilated cardiomyopathy 1G; Autosomal recessive limb-girdle muscular dystrophy type 2J. Last evaluated: 2025-11-12. Review status: criteria provided, single submitter. Criteria: Invitae Variant Classification Sherloc (09022015). Collection method: clinical testing. Allele origin: germline.
Comment: This sequence change replaces alanine, which is neutral and non-polar, with valine, which is neutral and non-polar, at codon 34916 of the TTN protein (p.Ala34916Val). This variant is not present in population databases (gnomAD no frequency). This variant has not been reported in the literature in individuals affected with TTN-related conditions. ClinVar contains an entry for this variant (Variation ID: 2949804). Experimental studies and prediction algorithms are not available or were not evaluated, and the functional significance of this variant is currently unknown. This variant is located in the M band of TTN (PMID: 25589632). Non-truncating variants in this region may be relevant for neuromuscular disorders, but have not been definitively shown to cause cardiomyopathy (PMID: 23975875). In summary, the available evidence is currently insufficient to determine the role of this variant in disease. Therefore, it has been classified as a Variant of Uncertain Significance.

Literature cited by the submitters: PubMed 25589632; PubMed 23975875.

NM_001267550.2(TTN):c.104747C>T (p.Ala34916Val)

Genes: TTN-AS1 (TTN antisense RNA 1; plus strand), TTN (titin; minus strand). Cytogenetic location: 2q31.2.
Variant type: single nucleotide variant.
Coding change: c.104747C>T on transcript NM_001267550.2 (MANE Select); coding-DNA position 104747, C replaced by T.
Protein change: p.Ala34916Val; replaces alanine 34916 with valine.
Molecular consequence: missense variant.
Genome position (GRCh38, 1-based): chr2:178,531,868, G>A on the plus strand (C>T on the coding strand, the complement: TTN is on the minus strand). VCF-style: chr2-178531868-G-A. GRCh37 (hg19) VCF-style: chr2-179396595-G-A.
Other names: c.99824C>T, p.Ala33275Val (NM_001256850.1); c.77552C>T, p.Ala25851Val (NM_003319.4); c.97043C>T, p.Ala32348Val (NM_133378.4); c.77927C>T, p.Ala25976Val (NM_133432.3); c.78128C>T, p.Ala26043Val (NM_133437.4); short protein forms A25851V, A32348V, A33275V, A34916V, A25976V, A26043V.
Identifiers: ClinVar variation 2949804 (VCV002949804.3), dbSNP rs2468426363, ClinGen allele CA349411011.